The following is an entry in ClinVar:

ClinVar aggregate classification (germline): Uncertain significance (1 of 4 stars; one submission).

Submission:

CeGaT Center for Human Genetics Tuebingen
Classification: Uncertain significance. Last evaluated: 2024-10-01. Review status: criteria provided, single submitter. Criteria: CeGaT Center For Human Genetics Tuebingen Variant Classification Criteria Version 2. Collection method: clinical testing. Allele origin: germline. Affected: yes. Observed: 1 variant allele.
Comment: UBTF: PM2

NM_014233.4(UBTF):c.2114A>G (p.Asp705Gly)

Genes: ATXN7L3-AS1 (ATXN7L3 antisense RNA 1; plus strand), UBTF (upstream binding transcription factor; minus strand). Cytogenetic location: 17q21.31.
Variant type: single nucleotide variant.
Coding change: c.2114A>G on transcript NM_014233.4 (MANE Select); coding-DNA position 2114, A replaced by G.
Protein change: p.Asp705Gly; replaces aspartic acid 705 with glycine.
Molecular consequence: missense variant. On other transcripts: non-coding transcript variant (1).
Genome position (GRCh38, 1-based): chr17:44,207,509, T>C on the plus strand (A>G on the coding strand, the complement: UBTF is on the minus strand). VCF-style: chr17-44207509-T-C. GRCh37 (hg19) VCF-style: chr17-42284877-T-C.
Other names: c.2003A>G, p.Asp668Gly (NM_001076683.2, NM_001076684.3); short protein forms D668G, D705G.
Identifiers: ClinVar variation 3389933 (VCV003389933.14).